The following is an entry in ClinVar:

ClinVar aggregate classification (germline): Uncertain significance. Review status: criteria provided, multiple submitters, no conflicts (2 of 4 stars). 2 submissions from 2 submitters: Uncertain significance (2). Last evaluated 2025-06-12.

Conditions:
Inborn genetic diseases. Identifiers: MedGen C0950123, MeSH D030342.

Submissions (2):

Ambry Genetics
Classification: Uncertain significance for Inborn genetic diseases. Last evaluated: 2025-06-12. Review status: criteria provided, single submitter. Criteria: Ambry Variant Classification Scheme 2023. Collection method: clinical testing. Allele origin: germline.
Comment: The p.G501C variant (also known as c.1501G>T), located in coding exon 6 of the MBD4 gene, results from a G to T substitution at nucleotide position 1501. The glycine at codon 501 is replaced by cysteine, an amino acid with highly dissimilar properties. This amino acid position is conserved. In addition, this alteration is predicted to be deleterious by in silico analysis. Based on the available evidence, the clinical significance of this variant remains unclear.

Labcorp Genetics (formerly Invitae), Labcorp
Classification: Uncertain significance. Last evaluated: 2025-01-19. Review status: criteria provided, single submitter. Criteria: Invitae Variant Classification Sherloc (09022015). Collection method: clinical testing. Allele origin: germline.
Comment: This sequence change replaces glycine, which is neutral and non-polar, with cysteine, which is neutral and slightly polar, at codon 507 of the MBD4 protein (p.Gly507Cys). This variant is not present in population databases (gnomAD no frequency). This variant has not been reported in the literature in individuals affected with MBD4-related conditions. An algorithm developed to predict the effect of missense changes on protein structure and function (PolyPhen-2) suggests that this variant is likely to be disruptive. In summary, the available evidence is currently insufficient to determine the role of this variant in disease. Therefore, it has been classified as a Variant of Uncertain Significance.

NM_001276270.2(MBD4):c.1501G>T (p.Gly501Cys)

Gene: MBD4 (methyl-CpG binding domain 4, DNA glycosylase; minus strand). Cytogenetic location: 3q21.3.
Variant type: single nucleotide variant.
Coding change: c.1501G>T on transcript NM_001276270.2 (MANE Select); coding-DNA position 1501, G replaced by T.
Protein change: p.Gly501Cys; replaces glycine 501 with cysteine.
Molecular consequence: missense variant.
Genome position (GRCh38, 1-based): chr3:129,433,140, C>A on the plus strand (G>T on the coding strand, the complement: MBD4 is on the minus strand). VCF-style: chr3-129433140-C-A. GRCh37 (hg19) VCF-style: chr3-129151983-C-A.
Other names: c.1519G>T, p.Gly507Cys (NM_001276271.2, NM_001276272.2, NM_003925.3); c.565G>T, p.Gly189Cys (NM_001276273.2); short protein forms G507C, G189C, G501C.
Identifiers: ClinVar variation 3683364 (VCV003683364.3).
Genomic context (GRCh38, chr3:129,433,140, plus strand): 5'-GGGTGTATAGGAAAATACCTGAGAACTTGACAATGGTTTTTGCCCGAAGATCGTAGAGAC[C>A]AAGAGGTTTAAGAAGTTCTGACACATCTCTCCAGTCTGCGGTTCTTGCTACCTCAGCTGA-3'
Protein context (NP_001263199.1, residues 491-511): RDVSELLKPL[Gly501Cys]LYDLRAKTIV